The following is an entry in ClinVar:

NM_004064.5(CDKN1B):c.248G>C (p.Ser83Thr)

Gene: CDKN1B (cyclin dependent kinase inhibitor 1B; plus strand). Cytogenetic location: 12p13.1.
Variant type: single nucleotide variant.
Coding change: c.248G>C on transcript NM_004064.5 (MANE Select); coding-DNA position 248, G replaced by C.
Protein change: p.Ser83Thr; replaces serine 83 with threonine.
Molecular consequence: missense variant.
Genome position (GRCh38, 1-based): chr12:12,718,087, G>C. VCF-style: chr12-12718087-G-C. GRCh37 (hg19) VCF-style: chr12-12871021-G-C.
Other names: c.248G>C (NM_004064.3); short protein forms S83T.
Identifiers: ClinVar variation 1715515 (VCV001715515.6), dbSNP rs756574571, ClinGen allele CA383969788.

ClinVar aggregate classification (germline): Uncertain significance. Review status: criteria provided, multiple submitters, no conflicts (2 of 4 stars). 2 submissions from 2 submitters: Uncertain significance (2). Last evaluated 2023-12-24.

Conditions:
Hereditary cancer-predisposing syndrome. Also called: Hereditary neoplastic syndrome; Tumor predisposition; Neoplastic Syndromes, Hereditary; Hereditary Cancer Syndrome. Identifiers: Orphanet 140162, MedGen C0027672, MeSH D009386, MONDO:0015356.
Multiple endocrine neoplasia type 4. Also called: MULTIPLE ENDOCRINE NEOPLASIA, TYPE IV. Identifiers: Orphanet 276152, MedGen C1970712, MONDO:0012552, OMIM 610755.

Submissions (2):

Ambry Genetics
Classification: Uncertain significance for Hereditary cancer-predisposing syndrome. Last evaluated: 2023-12-24. Review status: criteria provided, single submitter. Criteria: Ambry Variant Classification Scheme 2023. Collection method: clinical testing. Allele origin: germline.
Comment: The p.S83T variant (also known as c.248G>C), located in coding exon 1 of the CDKN1B gene, results from a G to C substitution at nucleotide position 248. The serine at codon 83 is replaced by threonine, an amino acid with similar properties. This amino acid position is conserved. In addition, this alteration is predicted to be tolerated by in silico analysis. Since supporting evidence is limited at this time, the clinical significance of this alteration remains unclear.

Labcorp Genetics (formerly Invitae), Labcorp
Classification: Uncertain significance for Multiple endocrine neoplasia type 4. Last evaluated: 2022-08-07. Review status: criteria provided, single submitter. Criteria: Invitae Variant Classification Sherloc (09022015). Collection method: clinical testing. Allele origin: germline.
Comment: In summary, the available evidence is currently insufficient to determine the role of this variant in disease. Therefore, it has been classified as a Variant of Uncertain Significance. Algorithms developed to predict the effect of missense changes on protein structure and function are either unavailable or do not agree on the potential impact of this missense change (SIFT: "Deleterious"; PolyPhen-2: "Benign"; Align-GVGD: "Class C55"). This variant has not been reported in the literature in individuals affected with CDKN1B-related conditions. This variant is not present in population databases (gnomAD no frequency). This sequence change replaces serine, which is neutral and polar, with threonine, which is neutral and polar, at codon 83 of the CDKN1B protein (p.Ser83Thr).